The following is an entry in ClinVar:

ClinVar aggregate classification (germline): Pathogenic (1 of 4 stars; one submission).

Conditions:
Lynch syndrome 4 (LYNCH4). Also called: Hereditary non-polyposis colorectal cancer, type 4; Colorectal cancer, hereditary nonpolyposis, type 4. Identifiers: Orphanet 144, MedGen C1838333, MONDO:0013699, OMIM 614337. Disease mechanism: loss of function.

Submission:

Myriad Genetics, Inc.
Classification: Pathogenic for Lynch syndrome 4. Last evaluated: 2023-09-21. Review status: criteria provided, single submitter. Criteria: Myriad Autosomal Dominant, Autosomal Recessive and X-Linked Classification Criteria (2023). Collection method: clinical testing. Allele origin: unknown.
Comment: This variant is considered pathogenic. This variant creates a frameshift predicted to result in premature protein truncation.

NM_000535.7(PMS2):c.2032del (p.Ile678fs)

Gene: PMS2 (PMS1 homolog 2, mismatch repair system component; minus strand). Cytogenetic location: 7p22.1.
Variant type: Deletion.
Coding change: c.2032del on transcript NM_000535.7 (MANE Select); coding-DNA position 2032, one base deleted (A; older notation c.2032delA).
Protein change: p.Ile678fs; shifts the reading frame from isoleucine 678.
Molecular consequence: frameshift variant. On other transcripts: non-coding transcript variant (1), intron variant (4).
Genome position (GRCh38, 1-based): chr7:5,982,966, T deleted on the plus strand (A on the coding strand, the reverse complement: PMS2 is on the minus strand); the first of 3 consecutive T bases (chr7:5,982,966-5,982,968); deleting any one gives the same sequence. VCF-style (leftmost placement, unchanged base first): chr7-5982965-AT-A. GRCh37 (hg19) VCF-style: chr7-6022596-AT-A.
Other names: c.1625delA, p.Ile543Serfs (NM_001018040.1); c.1627del, p.Ile543fs (NM_001322003.2, NM_001322004.2, NM_001322005.2 and 14 more transcripts); c.1876del, p.Ile626fs (NM_001322006.2, NM_001406870.1); c.1714del, p.Ile572fs (NM_001322007.2, NM_001322008.2, NM_001406876.1 and 1 more transcripts); c.1471del, p.Ile491fs (NM_001322010.2, NM_001406906.1, NM_001406907.1); c.1099del, p.Ile367fs (NM_001322011.2, NM_001322012.2); c.1459del, p.Ile487fs (NM_001322013.2, NM_001406909.1); c.2032del, p.Ile678fs (NM_001322014.2, NM_001406871.1); and 17 more; short protein forms I277fs, I367fs, I421fs, I487fs, I491fs, I507fs, I520fs, I523fs.
Identifiers: ClinVar variation 2674215 (VCV002674215.1), dbSNP rs2535551655, ClinGen allele CA2695198407.
Genomic context (GRCh38, chr7:5,982,965, plus strand): 5'-ACTATGAAGATATCCTCATTCAGTTTGGTTATTATAAATCCCAGGTTAAACTGACCAATG[AT>A]TTCCATTTCTGCAAACATCGTTTTACTGCAGGTAGAAAATGTTAATTATCAGACATTTTA-3'